The following is an entry in ClinVar:

NM_000937.5(POLR2A):c.5238G>A (p.Pro1746=)

Gene: POLR2A (RNA polymerase II subunit A; plus strand). Cytogenetic location: 17p13.1.
Variant type: single nucleotide variant.
Coding change: c.5238G>A on transcript NM_000937.5 (MANE Select); coding-DNA position 5238, G replaced by A.
Protein change: p.Pro1746=; no amino-acid change (proline 1746 retained).
Molecular consequence: synonymous variant.
Genome position (GRCh38, 1-based): chr17:7,513,502, G>A. VCF-style: chr17-7513502-G-A. GRCh37 (hg19) VCF-style: chr17-7416821-G-A.
Identifiers: ClinVar variation 2570973 (VCV002570973.27), dbSNP rs145007034, ClinGen allele CA8350527.

ClinVar aggregate classification (germline): Likely benign (1 of 4 stars; one submission).

Allele frequency attached by ClinVar (database versions not stated): gnomAD exomes 0.00019; ExAC 0.00062; 1000 Genomes Project 30x 0.00141; 1000 Genomes Project 0.00160; gnomAD 0.00202; TOPMed 0.00213; ESP Exome Variant Server 0.00269.

Submission:

CeGaT Center for Human Genetics Tuebingen
Classification: Likely benign. Last evaluated: 2023-12-01. Review status: criteria provided, single submitter. Criteria: CeGaT Center For Human Genetics Tuebingen Variant Classification Criteria Version 2. Collection method: clinical testing. Allele origin: germline. Affected: yes. Observed: 4 variant alleles.
Comment: POLR2A: BP4, BP7, BS1